The following is an entry in ClinVar:

NM_001046.3(SLC12A2):c.1348G>T (p.Val450Phe)

Gene: SLC12A2 (solute carrier family 12 member 2; plus strand). Cytogenetic location: 5q23.3.
Variant type: single nucleotide variant.
Coding change: c.1348G>T on transcript NM_001046.3 (MANE Select); coding-DNA position 1348, G replaced by T.
Protein change: p.Val450Phe; replaces valine 450 with phenylalanine.
Molecular consequence: missense variant. On other transcripts: non-coding transcript variant (1).
Genome position (GRCh38, 1-based): chr5:128,135,748, G>T. VCF-style: chr5-128135748-G-T. GRCh37 (hg19) VCF-style: chr5-127471440-G-T.
Other names: c.1348G>T, p.Val450Phe (NM_001256461.2); short protein forms V450F.
Identifiers: ClinVar variation 2288665 (VCV002288665.4), dbSNP rs554821539, ClinGen allele CA3393088.

ClinVar aggregate classification (germline): Uncertain significance. Review status: criteria provided, multiple submitters, no conflicts (2 of 4 stars). 2 submissions from 2 submitters: Uncertain significance (2). Last evaluated 2025-09-25.

Conditions:
Inborn genetic diseases. Identifiers: MedGen C0950123, MeSH D030342.

gnomAD v4.1: 29 of 1,612,492 alleles (0.0018%); highest among the groups gnomAD compares: Non-Finnish European, 0.0025%; no homozygotes.

Submissions (2):

Labcorp Genetics (formerly Invitae), Labcorp
Classification: Uncertain significance. Last evaluated: 2025-09-25. Review status: criteria provided, single submitter. Criteria: Invitae Variant Classification Sherloc (09022015). Collection method: clinical testing. Allele origin: germline.
Comment: This sequence change replaces valine, which is neutral and non-polar, with phenylalanine, which is neutral and non-polar, at codon 450 of the SLC12A2 protein (p.Val450Phe). This variant is present in population databases (rs554821539, gnomAD 0.003%). This variant has not been reported in the literature in individuals affected with SLC12A2-related conditions. ClinVar contains an entry for this variant (Variation ID: 2288665). Invitae Evidence Modeling of protein sequence and biophysical properties (such as structural, functional, and spatial information, amino acid conservation, physicochemical variation, residue mobility, and thermodynamic stability) indicates that this missense variant is not expected to disrupt SLC12A2 protein function with a negative predictive value of 95%. Algorithms developed to predict the effect of sequence changes on RNA splicing suggest that this variant may create or strengthen a splice site. In summary, the available evidence is currently insufficient to determine the role of this variant in disease. Therefore, it has been classified as a Variant of Uncertain Significance.

Ambry Genetics
Classification: Uncertain significance for Inborn genetic diseases. Last evaluated: 2022-05-11. Review status: criteria provided, single submitter. Criteria: Ambry Variant Classification Scheme 2023. Collection method: clinical testing. Allele origin: germline.